The following is an entry in ClinVar:

ClinVar aggregate classification (germline): Pathogenic (1 of 4 stars; one submission).

Conditions:
Cholestanol storage disease (CTX). Also called: Cerebrotendinous Xanthomatosis; CEREBRAL CHOLESTERINOSIS; CTX: Cerebrotendinous xanthomatosis. Identifiers: Orphanet 909, MedGen C0238052, MONDO:0008948, OMIM 213700.

Submission:

Labcorp Genetics (formerly Invitae), Labcorp
Classification: Pathogenic for Cholestanol storage disease. Last evaluated: 2025-08-25. Review status: criteria provided, single submitter. Criteria: Invitae Variant Classification Sherloc (09022015). Collection method: clinical testing. Allele origin: germline.
Comment: This sequence change creates a premature translational stop signal (p.Arg480Lysfs*41) in the CYP27A1 gene. While this is not anticipated to result in nonsense mediated decay, it is expected to disrupt the last 52 amino acid(s) of the CYP27A1 protein. This variant is present in population databases (no rsID available, gnomAD 0.007%). This variant has not been reported in the literature in individuals affected with CYP27A1-related conditions. This variant disrupts a region of the CYP27A1 protein in which other variant(s) (p.Arg513Cys) have been determined to be pathogenic (PMID: 28623566, 31743419, 32714376, 34012265). This suggests that this is a clinically significant region of the protein, and that variants that disrupt it are likely to be disease-causing. For these reasons, this variant has been classified as Pathogenic.

Literature cited by the submitters: PubMed 28623566; PubMed 31743419; PubMed 32714376; PubMed 34012265.

NM_000784.4(CYP27A1):c.1438dup (p.Arg480fs)

Gene: CYP27A1 (cytochrome P450 family 27 subfamily A member 1; plus strand). Cytogenetic location: 2q35.
Variant type: Duplication.
Coding change: c.1438dup on transcript NM_000784.4 (MANE Select); coding-DNA position 1438, one base duplicated (A; older notation c.1438dupA).
Protein change: p.Arg480fs; shifts the reading frame from arginine 480.
Molecular consequence: frameshift variant.
Genome position (GRCh38, 1-based): chr2:218,814,719, A duplicated. VCF-style (leftmost placement, unchanged base first): chr2-218814718-C-CA. GRCh37 (hg19) VCF-style: chr2-219679441-C-CA.
Other names: short protein forms R480fs.
Identifiers: ClinVar variation 4706518 (VCV004706518.1).
Genomic context (GRCh38, chr2:218,814,718, plus strand): 5'-GATCCAGCACCCATTTGGCTCTGTGCCCTTTGGCTATGGGGTCCGGGCCTGCCTGGGCCG[C>CA]AGGATTGCAGAGCTGGAGATGCAGCTACTCCTCGCAAGGGTGAGCTGGGAGAGGCTAGTA-3'